The following is an entry in ClinVar:

ClinVar aggregate classification (germline): Likely benign. Review status: criteria provided, multiple submitters, no conflicts (2 of 4 stars). 4 submissions from 4 submitters: Likely benign (4). Last evaluated 2025-05-03.

Conditions:
Arrhythmogenic right ventricular dysplasia 10. Also called: ARRHYTHMOGENIC RIGHT VENTRICULAR DYSPLASIA, FAMILIAL, 10; Arrhythmogenic Right Ventricular Dysplasia/Cardiomyopathy10; Arrhythmogenic right ventricular dysplasia/cardiomyopathy, type 10. Identifiers: MedGen C1857777, MONDO:0012434, OMIM 610193.
Cardiomyopathy (CMYO). Also called: Cardiomyopathies. Identifiers: Orphanet 167848, MedGen C0878544, MONDO:0004994, HP:0001638. Inheritance: Various modes of inheritance.
Arrhythmogenic right ventricular cardiomyopathy (ARVD). Also called: Arrhythmogenic right ventricular dysplasia; Cardiomyopathy, ARVC; Arrhythmogenic cardiomyopathy; Arrhythmogenic Right Ventricular Cardiomyopathy (ARVC). Identifiers: Orphanet 247, MedGen C0349788, MeSH D019571, MONDO:0016587. Disease mechanism: loss of function. Inheritance: Various modes of inheritance.
Cardiovascular phenotype. Identifiers: MedGen CN230736.

Allele frequency attached by ClinVar (database versions not stated): gnomAD exomes below 0.00001; ExAC 0.00001; TOPMed 0.00001.
gnomAD v4.1: 7 of 1,614,170 alleles (0.00043%); highest among the groups gnomAD compares: Admixed American, 0.0017%; no homozygotes.

Submissions (4):

Ambry Genetics
Classification: Likely benign for Cardiovascular phenotype. Last evaluated: 2025-05-03. Review status: criteria provided, single submitter. Criteria: Ambry Variant Classification Scheme 2023. Collection method: clinical testing. Allele origin: germline.

All of Us Research Program, National Institutes of Health
Classification: Likely benign for Arrhythmogenic right ventricular cardiomyopathy. Last evaluated: 2023-11-28. Review status: criteria provided, single submitter. Criteria: ACMG Guidelines, 2015. Collection method: clinical testing. Allele origin: germline. Inheritance: Autosomal dominant inheritance. Observed: 2 variant alleles, 2 heterozygotes.
Comment: This study involves interpretation of variants in research participants for the purpose of population health screening. Participant phenotype was not available at the time of variant classification. Additional details can be found in publication PMID: 35346344, PMCID: PMC8962531

Color Diagnostics, LLC DBA Color Health
Classification: Likely benign for Cardiomyopathy. Last evaluated: 2023-03-29. Review status: criteria provided, single submitter. Criteria: ACMG Guidelines, 2015. Collection method: clinical testing. Allele origin: germline.

Labcorp Genetics (formerly Invitae), Labcorp
Classification: Likely benign for Arrhythmogenic right ventricular dysplasia 10. Last evaluated: 2022-10-17. Review status: criteria provided, single submitter. Criteria: Invitae Variant Classification Sherloc (09022015). Collection method: clinical testing. Allele origin: germline.

NM_001943.5(DSG2):c.2592C>T (p.Asn864=)

Genes: DSG2 (desmoglein 2; plus strand), DSG2-AS1 (DSG2 antisense RNA 1; minus strand). Cytogenetic location: 18q12.1.
Variant type: single nucleotide variant.
Coding change: c.2592C>T on transcript NM_001943.5 (MANE Select); coding-DNA position 2592, C replaced by T.
Protein change: p.Asn864=; no amino-acid change (asparagine 864 retained).
Molecular consequence: synonymous variant.
Genome position (GRCh38, 1-based): chr18:31,545,978, C>T. VCF-style: chr18-31545978-C-T. GRCh37 (hg19) VCF-style: chr18-29125941-C-T.
Identifiers: ClinVar variation 2195122 (VCV002195122.7), dbSNP rs761000425, ClinGen allele CA046569.